The following is an entry in ClinVar:

ClinVar aggregate classification (germline): Uncertain significance (1 of 4 stars; one submission).

Conditions:
Hereditary cancer-predisposing syndrome. Also called: Neoplastic Syndromes, Hereditary; Tumor predisposition; Hereditary Cancer Syndrome; Hereditary neoplastic syndrome. Identifiers: Orphanet 140162, MedGen C0027672, MeSH D009386, MONDO:0015356.

Allele frequency attached by ClinVar (database versions not stated): TOPMed below 0.00001.

Submission:

Ambry Genetics
Classification: Uncertain significance for Hereditary cancer-predisposing syndrome. Last evaluated: 2020-09-17. Review status: criteria provided, single submitter. Criteria: Ambry Variant Classification Scheme 2023. Collection method: clinical testing. Allele origin: germline.
Comment: The p.G697R variant (also known as c.2089G>C), located in coding exon 5 of the PALB2 gene, results from a G to C substitution at nucleotide position 2089. The glycine at codon 697 is replaced by arginine, an amino acid with dissimilar properties. This amino acid position is not well conserved in available vertebrate species. In addition, this alteration is predicted to be tolerated by in silico analysis. Since supporting evidence is limited at this time, the clinical significance of this alteration remains unclear.

NM_024675.4(PALB2):c.2089G>C (p.Gly697Arg)

Gene: PALB2 (partner and localizer of BRCA2; minus strand). Cytogenetic location: 16p12.2.
Variant type: single nucleotide variant.
Coding change: c.2089G>C on transcript NM_024675.4 (MANE Select); coding-DNA position 2089, G replaced by C.
Protein change: p.Gly697Arg; replaces glycine 697 with arginine.
Molecular consequence: missense variant.
Genome position (GRCh38, 1-based): chr16:23,630,065, C>G on the plus strand (G>C on the coding strand, the complement: PALB2 is on the minus strand). VCF-style: chr16-23630065-C-G. GRCh37 (hg19) VCF-style: chr16-23641386-C-G.
Other names: c.2029G>C, p.Gly677Arg (NM_001407296.1); c.2089G>C, p.Gly697Arg (NM_001407297.1, NM_001407298.1, NM_001407299.1 and 3 more transcripts); c.1204G>C, p.Gly402Arg (NM_001407304.1, NM_001407305.1, NM_001407306.1 and 5 more transcripts); c.301G>C, p.Gly101Arg (NM_001407312.1, NM_001407313.1); short protein forms G677R, G101R, G402R, G697R.
Identifiers: ClinVar variation 1785688 (VCV001785688.2), dbSNP rs1567218116, ClinGen allele CA395125819.
Genomic context (GRCh38, chr16:23,630,065, plus strand): 5'-CATTATCATCAGGCGCAACCGTATTTAAAGGAGTATAAAGTAATATGGATGAAGAAAGGC[C>G]CGTCTTTGTATGCTGGCTTTGCGAGTTTGGCCTTTTGGGATGTGATTTTCCTGGTAGAAC-3'
Protein context (NP_078951.2, residues 687-707): PNSQSQHTKT[Gly697Arg]LSSSILLYTP